The following is an entry in ClinVar:

ClinVar aggregate classification (germline): Uncertain significance (1 of 4 stars; one submission).

Conditions:
POLD1-related polyposis and colorectal cancer syndrome (CRCS10). Also called: COLORECTAL CANCER, SUSCEPTIBILITY TO, ON CHROMOSOME 19q; Colorectal cancer 10; Colorectal cancer, susceptibility to, 10. Identifiers: Orphanet 220460, MedGen C2675481, MONDO:0012953, OMIM 612591.

Submission:

Labcorp Genetics (formerly Invitae), Labcorp
Classification: Uncertain significance for POLD1-related polyposis and colorectal cancer syndrome. Last evaluated: 2025-08-19. Review status: criteria provided, single submitter. Criteria: Invitae Variant Classification Sherloc (09022015). Collection method: clinical testing. Allele origin: germline.
Comment: This sequence change creates a premature translational stop signal (p.Leu601Trpfs*11) in the POLD1 gene. Missense variants that disrupt the 3'-5' exonuclease (proof-reading) activity of the POLD1 protein are associated with PPAP (polymerase proofreading–associated polyposis) (PMID: 23263490, 23447401). However, loss-of-function variants that result in an absent or severely disrupted POLD1 protein, and missense variants outside the exonuclease domain, are unlikely to be associated with PPAP. This variant is not present in population databases (gnomAD no frequency). This variant has not been reported in the literature in individuals affected with POLD1-related conditions. In summary, the available evidence is currently insufficient to determine the role of this variant in disease. Therefore, it has been classified as a Variant of Uncertain Significance.

Literature cited by the submitters: PubMed 23263490; PubMed 23447401.

NM_002691.4(POLD1):c.1801del (p.Leu601fs)

Gene: POLD1 (DNA polymerase delta 1, catalytic subunit; plus strand). Cytogenetic location: 19q13.33.
Variant type: Deletion.
Coding change: c.1801del on transcript NM_002691.4 (MANE Select); coding-DNA position 1801, one base deleted (C; older notation c.1801delC).
Protein change: p.Leu601fs; shifts the reading frame from leucine 601.
Molecular consequence: frameshift variant. On other transcripts: non-coding transcript variant (1).
Genome position (GRCh38, 1-based): chr19:50,408,810, C deleted; the last of 3 consecutive C bases (chr19:50,408,808-50,408,810); deleting any one gives the same sequence. VCF-style (leftmost placement, unchanged base first): chr19-50408807-AC-A. GRCh37 (hg19) VCF-style: chr19-50912064-AC-A.
Other names: c.1801del, p.Leu601fs (NM_001256849.1, NM_001438210.1, NM_001438211.1 and 2 more transcripts); c.1879del, p.Leu627fs (NM_001308632.1); short protein forms L627fs, L601fs.
Identifiers: ClinVar variation 4776769 (VCV004776769.1).